The following is an entry in ClinVar:

NM_001330723.2(SNX27):c.179A>C (p.Gln60Pro)

Genes: SNX27 (sorting nexin 27; plus strand), LOC129931442 (ATAC-STARR-seq lymphoblastoid silent region 1324; plus strand). Cytogenetic location: 1q21.3.
Variant type: single nucleotide variant.
Coding change: c.179A>C on transcript NM_001330723.2 (MANE Select); coding-DNA position 179, A replaced by C.
Protein change: p.Gln60Pro; replaces glutamine 60 with proline.
Molecular consequence: missense variant.
Genome position (GRCh38, 1-based): chr1:151,612,380, A>C. VCF-style: chr1-151612380-A-C. GRCh37 (hg19) VCF-style: chr1-151584856-A-C.
Other names: c.179A>C, p.Gln60Pro (NM_030918.6); short protein forms Q60P.
Identifiers: ClinVar variation 1362637 (VCV001362637.8), dbSNP rs2102578836, ClinGen allele CA341974111.

ClinVar aggregate classification (germline): Uncertain significance (1 of 4 stars; one submission).

Conditions:
Severe myoclonic epilepsy in infancy (DRVT). Also called: Epileptic encephalopathy, early infantile, 6 (Dravet syndrome); Dravet syndrome; Severe Myoclonic Epilepsy in Infancy (SMEI); SEVERE MYOCLONIC EPILEPSY OF INFANCY; DEVELOPMENTAL AND EPILEPTIC ENCEPHALOPATHY 6A. Identifiers: Orphanet 33069, MedGen C0751122, MONDO:0100135, OMIM 607208.

Submission:

Labcorp Genetics (formerly Invitae), Labcorp
Classification: Uncertain significance for Severe myoclonic epilepsy in infancy. Last evaluated: 2021-01-04. Review status: criteria provided, single submitter. Criteria: Invitae Variant Classification Sherloc (09022015). Collection method: clinical testing. Allele origin: germline.
Comment: In summary, the available evidence is currently insufficient to determine the role of this variant in disease. Therefore, it has been classified as a Variant of Uncertain Significance. Algorithms developed to predict the effect of missense changes on protein structure and function are either unavailable or do not agree on the potential impact of this missense change (SIFT: "Deleterious"; PolyPhen-2: "Benign"; Align-GVGD: "Class C0"). This variant has not been reported in the literature in individuals with SNX27-related conditions. This variant is not present in population databases (ExAC no frequency). This sequence change replaces glutamine with proline at codon 60 of the SNX27 protein (p.Gln60Pro). The glutamine residue is moderately conserved and there is a moderate physicochemical difference between glutamine and proline.